The following is an entry in ClinVar:

ClinVar aggregate classification (germline): Uncertain significance. Review status: criteria provided, multiple submitters, no conflicts (2 of 4 stars). 2 submissions from 2 submitters: Uncertain significance (2). Last evaluated 2024-02-27.

Conditions:
Fanconi anemia complementation group E (FANCE). Also called: FANCE-Related Fanconi Anemia. Identifiers: Orphanet 84, MedGen C3160739, MONDO:0010953, OMIM 600901.

Allele frequency attached by ClinVar (database versions not stated): TOPMed below 0.00001; gnomAD 0.00001.
gnomAD v4.1: 3 of 1,614,074 alleles (0.00019%); highest among the groups gnomAD compares: Middle Eastern, 0.016%; no homozygotes.

Submissions (2):

Fulgent Genetics
Classification: Uncertain significance for Fanconi anemia complementation group E. Last evaluated: 2024-02-27. Review status: criteria provided, single submitter. Criteria: ACMG Guidelines, 2015. Collection method: clinical testing. Allele origin: germline.

Genetic Services Laboratory, University of Chicago
Classification: Uncertain significance. Last evaluated: 2021-02-22. Review status: criteria provided, single submitter. Criteria: ACMG Guidelines, 2015. Collection method: clinical testing. Allele origin: germline. Affected: no.
Comment: This sequence change does not appear to have been previously described in patients with FANCE-related disorders and has also not been described in the large population databases such as ExAC and gnomAD (dbSNP rs866005940). The p.Trp132Cys change affects a highly conserved amino acid residue located in a domain of the FANCE protein that is not known to be functional. In-silico pathogenicity prediction tools (SIFT, PolyPhen2, Align GVGD, REVEL) provide contradictory results for the p.Trp132Cys substitution. Due to these contrasting evidences and the lack of functional studies, the clinical significance of the p.Trp132Cys change remains unknown at this time.

NM_021922.3(FANCE):c.396G>T (p.Trp132Cys)

Gene: FANCE (FA complementation group E; plus strand). Cytogenetic location: 6p21.31.
Variant type: single nucleotide variant.
Coding change: c.396G>T on transcript NM_021922.3 (MANE Select); coding-DNA position 396, G replaced by T.
Protein change: p.Trp132Cys; replaces tryptophan 132 with cysteine.
Molecular consequence: missense variant.
Genome position (GRCh38, 1-based): chr6:35,455,894, G>T. VCF-style: chr6-35455894-G-T. GRCh37 (hg19) VCF-style: chr6-35423671-G-T.
Other names: short protein forms W132C.
Identifiers: ClinVar variation 1337846 (VCV001337846.6), dbSNP rs866005940, ClinGen allele CA137294524.